The following is an entry in ClinVar:

ClinVar aggregate classification (germline): Benign/Likely benign. Review status: criteria provided, multiple submitters, no conflicts (2 of 4 stars). 4 submissions from 4 submitters: Benign (1); Likely benign (2). 1 of the submissions does not count toward it. Last evaluated 2026-01-20.

Conditions:
Primary ciliary dyskinesia. Also called: Ciliary dyskinesia. Identifiers: Orphanet 244, MedGen C0008780, MONDO:0016575, HP:0012265.
Primary ciliary dyskinesia 3. Identifiers: Orphanet 244, MedGen C1837618, MONDO:0012085, OMIM 608644.

Allele frequency attached by ClinVar (database versions not stated): ESP Exome Variant Server 0.00008; gnomAD 0.00039 and 0.00070; gnomAD exomes 0.00054 and 0.00139; TOPMed 0.00071; ExAC 0.00135; 1000 Genomes Project 30x 0.00390; 1000 Genomes Project 0.00419.
gnomAD v4.1: 936 of 1,609,566 alleles (0.058%); highest among the groups gnomAD compares: East Asian, 1.9%; 9 homozygotes.

Submissions (4):

Labcorp Genetics (formerly Invitae), Labcorp
Classification: Benign for Primary ciliary dyskinesia. Last evaluated: 2026-01-20. Review status: criteria provided, single submitter. Criteria: Invitae Variant Classification Sherloc (09022015). Collection method: clinical testing. Allele origin: germline.

Blueprint Genetics
Classification: Likely benign. Last evaluated: 2024-11-20. Review status: criteria provided, single submitter. Criteria: ACMG Guidelines, 2015. Collection method: clinical testing. Allele origin: germline.

Illumina Laboratory Services, Illumina
Classification: Likely benign for Primary ciliary dyskinesia 3. Last evaluated: 2018-01-12. Review status: criteria provided, single submitter. Criteria: ICSL Variant Classification Criteria 13 December 2019. Collection method: clinical testing. Allele origin: germline.
Comment: This variant was observed in the ICSL laboratory as part of a predisposition screen in an ostensibly healthy population. It had not been previously curated by ICSL or reported in the Human Gene Mutation Database (HGMD: prior to June 1st, 2018), and was therefore a candidate for classification through an automated scoring system. Utilizing variant allele frequency, disease prevalence and penetrance estimates, and inheritance mode, an automated score was calculated to assess if this variant is too frequent to cause the disease. Based on the score and internal cut-off values, a variant classified as likely benign is not then subjected to further curation. The score for this variant resulted in a classification of likely benign for this disease.

Natera, Inc.
Classification: Benign for Primary ciliary dyskinesia. Last evaluated: 2020-09-16. Review status: no assertion criteria provided. Collection method: clinical testing. Allele origin: germline. Not counted in ClinVar's aggregate classification.

NM_001369.3(DNAH5):c.13125+10T>A

Gene: DNAH5 (dynein axonemal heavy chain 5; minus strand). Cytogenetic location: 5p15.2.
Variant type: single nucleotide variant.
Coding change: c.13125+10T>A on transcript NM_001369.3 (MANE Select); 10 bases into the intron after coding-DNA position 13125, T replaced by A.
Molecular consequence: intron variant.
Genome position (GRCh38, 1-based): chr5:13,714,395, A>T on the plus strand (T>A on the coding strand, the complement: DNAH5 is on the minus strand). VCF-style: chr5-13714395-A-T. GRCh37 (hg19) VCF-style: chr5-13714504-A-T.
Identifiers: ClinVar variation 695812 (VCV000695812.16), dbSNP rs2277047, ClinGen allele CA3201450.